The following is an entry in ClinVar:

NM_000257.4(MYH7):c.755T>G (p.Phe252Cys)

Gene: MYH7 (myosin heavy chain 7; minus strand). Cytogenetic location: 14q11.2.
Variant type: single nucleotide variant.
Coding change: c.755T>G on transcript NM_000257.4 (MANE Select); coding-DNA position 755, T replaced by G.
Protein change: p.Phe252Cys; replaces phenylalanine 252 with cysteine.
Molecular consequence: missense variant.
Genome position (GRCh38, 1-based): chr14:23,431,459, A>C on the plus strand (T>G on the coding strand, the complement: MYH7 is on the minus strand). VCF-style: chr14-23431459-A-C. GRCh37 (hg19) VCF-style: chr14-23900668-A-C.
Other names: short protein forms F252C.
Identifiers: ClinVar variation 217472 (VCV000217472.2), dbSNP rs727505202, ClinGen allele CA277662.

ClinVar aggregate classification (germline): Likely pathogenic. Review status: criteria provided, multiple submitters, no conflicts (2 of 4 stars). 2 submissions from 2 submitters: Likely pathogenic (2). Last evaluated 2025-11-24.

Conditions:
Hypertrophic cardiomyopathy 1 (CMH1). Also called: Familial hypertrophic cardiomyopathy 1; MYH7-Related Familial Hypertrophic Cardiomyopathy. Identifiers: MedGen C3495498, MONDO:0008647, OMIM 192600.
Primary familial hypertrophic cardiomyopathy (HCM). Identifiers: Orphanet 99739, MedGen C0949658, MeSH D024741, MONDO:0024573. Inheritance: Various modes of inheritance.

Submissions (2):

Petrovsky National Research Centre of Surgery, The Federal Agency for Scientific Organizations
Classification: Likely pathogenic for Primary familial hypertrophic cardiomyopathy. Last evaluated: 2025-11-24. Review status: criteria provided, single submitter. Criteria: ACMG Guidelines, 2015. Collection method: clinical testing. Allele origin: germline. Affected: yes. Observed: 1 variant allele.
Comment: The variant is not in The Genome Aggregation Database (gnomAD) v4.1.0. (Date of access 2025-11-24). In accordance with ACMG (2015) criteria this variant is classified as Likely pathogenic with following criteria selected: PM2, PP3, PM1, PP2.

Laboratory of Genetics and Molecular Cardiology, University of São Paulo
Classification: Likely pathogenic for Hypertrophic cardiomyopathy 1. Review status: criteria provided, single submitter. Criteria: LGCM Criteria August 2015. Collection method: clinical testing. Allele origin: germline. Inheritance: Autosomal dominant inheritance. Affected: yes. Observed: 1 variant allele. Study: Sarcomeric Human Cardiomyopathy Registry (ShaRe).